The following is an entry in ClinVar:

ClinVar aggregate classification (germline): Uncertain significance. Review status: criteria provided, multiple submitters, no conflicts (2 of 4 stars). 4 submissions from 4 submitters: Uncertain significance (4). Last evaluated 2024-03-05.
ClinVar aggregate classification (oncogenicity): Likely oncogenic (1 of 4 stars; one submission).

Conditions:
Familial thoracic aortic aneurysm and aortic dissection (TAAD). Also called: Thoracic aortic aneurysms and dissections. Identifiers: Orphanet 91387, MedGen C4707243, MONDO:0019625.
Hereditary cancer-predisposing syndrome. Also called: Hereditary neoplastic syndrome; Neoplastic Syndromes, Hereditary; Tumor predisposition; Hereditary Cancer Syndrome. Identifiers: Orphanet 140162, MedGen C0027672, MeSH D009386, MONDO:0015356.
Juvenile polyposis syndrome (JPS). Identifiers: Orphanet 2929, MedGen C0345893, MONDO:0017380, OMIM 174900.
Juvenile polyposis/hereditary hemorrhagic telangiectasia syndrome (JPHT). Also called: JP/HHT SYNDROME; JUVENILE POLYPOSIS WITH HEREDITARY HEMORRHAGIC TELANGIECTASIA; POLYPOSIS, GENERALIZED JUVENILE, WITH PULMONARY ARTERIOVENOUS MALFORMATION; TELANGIECTASIA, HEREDITARY HEMORRHAGIC, WITH JUVENILE POLYPOSIS COLI; Juvenile Polyposis Syndrome / Hereditary Hemorrhagic Telangiectasia (JPS/HHT). Identifiers: Orphanet 2929, MedGen C1832942, MONDO:0008278, OMIM 175050.
Neoplasm. Also called: tumor; Neoplasms; Neoplasm (disease). Identifiers: MedGen C0027651, MeSH D009369, MONDO:0005070, HP:0002664.

Submissions (5):

Center for Genomic Medicine, Rigshospitalet, Copenhagen University Hospital
Classification: Likely oncogenic for Neoplasm. Last evaluated: 2026-10-16. Review status: criteria provided, single submitter. Criteria: ClinGen/CGC/VICC Guidelines for Oncogenicity, 2022. Collection method: clinical testing. Allele origin: somatic. Affected: yes.

All of Us Research Program, National Institutes of Health
Classification: Uncertain significance for Juvenile polyposis/hereditary hemorrhagic telangiectasia syndrome. Last evaluated: 2024-03-05. Review status: criteria provided, single submitter. Criteria: ACMG Guidelines, 2015. Collection method: clinical testing. Allele origin: germline. Inheritance: Autosomal dominant inheritance. Observed: 1 variant allele, 1 heterozygote.
Comment: This study involves interpretation of variants in research participants for the purpose of population health screening. Participant phenotype was not available at the time of variant classification. Additional details can be found in publication PMID: 35346344, PMCID: PMC8962531

Ambry Genetics
Classification: Uncertain significance for Hereditary cancer-predisposing syndrome; Familial thoracic aortic aneurysm and aortic dissection. Last evaluated: 2024-01-18. Review status: criteria provided, single submitter. Criteria: Ambry Variant Classification Scheme 2023. Collection method: clinical testing. Allele origin: germline.
Comment: The p.A118V variant (also known as c.353C>T), located in coding exon 2 of the SMAD4 gene, results from a C to T substitution at nucleotide position 353. The alanine at codon 118 is replaced by valine, an amino acid with similar properties. This amino acid position is highly conserved in available vertebrate species. In addition, this alteration is predicted to be deleterious by in silico analysis. Based on the available evidence, the clinical significance of this alteration remains unclear.

Labcorp Genetics (formerly Invitae), Labcorp
Classification: Uncertain significance for Juvenile polyposis syndrome. Last evaluated: 2023-08-04. Review status: criteria provided, single submitter. Criteria: Invitae Variant Classification Sherloc (09022015). Collection method: clinical testing. Allele origin: germline.
Comment: In summary, the available evidence is currently insufficient to determine the role of this variant in disease. Therefore, it has been classified as a Variant of Uncertain Significance. Advanced modeling of protein sequence and biophysical properties (such as structural, functional, and spatial information, amino acid conservation, physicochemical variation, residue mobility, and thermodynamic stability) has been performed at Invitae for this missense variant, however the output from this modeling did not meet the statistical confidence thresholds required to predict the impact of this variant on SMAD4 protein function. ClinVar contains an entry for this variant (Variation ID: 1691745). This variant has not been reported in the literature in individuals affected with SMAD4-related conditions. This variant is not present in population databases (gnomAD no frequency). This sequence change replaces alanine, which is neutral and non-polar, with valine, which is neutral and non-polar, at codon 118 of the SMAD4 protein (p.Ala118Val).

GeneDx
Classification: Uncertain significance. Last evaluated: 2022-06-16. Review status: criteria provided, single submitter. Criteria: GeneDx Variant Classification Process June 2021. Collection method: clinical testing. Allele origin: germline. Affected: yes.
Comment: Not observed at significant frequency in large population cohorts (gnomAD); In silico analysis supports that this missense variant has a deleterious effect on protein structure/function; Has not been previously published as pathogenic or benign to our knowledge; This variant is associated with the following publications: (PMID: 23139211)

NM_005359.6(SMAD4):c.353C>T (p.Ala118Val)

Gene: SMAD4 (SMAD family member 4; plus strand). Cytogenetic location: 18q21.2.
Variant type: single nucleotide variant.
Coding change: c.353C>T on transcript NM_005359.6 (MANE Select); coding-DNA position 353, C replaced by T.
Protein change: p.Ala118Val; replaces alanine 118 with valine.
Molecular consequence: missense variant.
Genome position (GRCh38, 1-based): chr18:51,048,789, C>T. VCF-style: chr18-51048789-C-T. GRCh37 (hg19) VCF-style: chr18-48575159-C-T.
Other names: short protein forms A118V.
Identifiers: ClinVar variation 1691745 (VCV001691745.12), dbSNP rs2144405775, ClinGen allele CA402458498.
Genomic context (GRCh38, chr18:51,048,789, plus strand): 5'-TCTGGAGGTGGCCTGATCTTCACAAAAATGAACTAAAACATGTTAAATATTGTCAGTATG[C>T]GTTTGACTTAAAATGTGATAGTGTCTGTGTGAATCCATATCACTACGAACGAGTTGTATC-3'
Protein context (NP_005350.1, residues 108-128): ELKHVKYCQY[Ala118Val]FDLKCDSVCV